The following is an entry in ClinVar:

NM_021098.3(CACNA1H):c.5608G>A (p.Ala1870Thr)

Gene: CACNA1H (calcium voltage-gated channel subunit alpha1 H; plus strand). Cytogenetic location: 16p13.3.
Variant type: single nucleotide variant.
Coding change: c.5608G>A on transcript NM_021098.3 (MANE Select); coding-DNA position 5608, G replaced by A.
Protein change: p.Ala1870Thr; replaces alanine 1870 with threonine.
Molecular consequence: missense variant.
Genome position (GRCh38, 1-based): chr16:1,218,372, G>A. VCF-style: chr16-1218372-G-A. GRCh37 (hg19) VCF-style: chr16-1268372-G-A.
Other names: c.5590G>A, p.Ala1864Thr (NM_001005407.2); short protein forms A1870T, A1864T.
Identifiers: ClinVar variation 489389 (VCV000489389.11), dbSNP rs375010790, ClinGen allele CA7802074.

ClinVar aggregate classification (germline): Likely benign (1 of 4 stars; one submission).

Conditions:
CACNA1H-related disorder.
Hyperaldosteronism, familial, type IV (HALD4). Also called: FH IV; ALDOSTERONISM, PRIMARY, AND HYPERTENSION. Identifiers: Orphanet 642671, MedGen C4310756, MONDO:0014875, OMIM 617027.
Idiopathic generalized epilepsy. Also called: Generalised epilepsy; EIG. Identifiers: MedGen C0270850, MONDO:0005579, OMIM 600669.

Allele frequency attached by ClinVar (database versions not stated): gnomAD 0.00006; TOPMed 0.00007; ExAC 0.00044; ESP Exome Variant Server 0.00008; gnomAD exomes 0.00018.
gnomAD v4.1: 86 of 1,561,894 alleles (0.0055%); highest among the groups gnomAD compares: African/African-American, 0.0014%; no homozygotes.

Submission:

Labcorp Genetics (formerly Invitae), Labcorp
Classification: Likely benign for Idiopathic generalized epilepsy; Hyperaldosteronism, familial, type IV. Last evaluated: 2024-04-22. Review status: criteria provided, single submitter. Criteria: Invitae Variant Classification Sherloc (09022015). Collection method: clinical testing. Allele origin: germline.